The following is an entry in ClinVar:

ClinVar aggregate classification (germline): Uncertain significance. Review status: criteria provided, multiple submitters, no conflicts (2 of 4 stars). 2 submissions from 2 submitters: Uncertain significance (2). Last evaluated 2024-05-05.

Conditions:
Diamond-Blackfan anemia. Also called: Aase syndrome; Blackfan Diamond syndrome; Aregenerative anemia chronic congenital; Red cell aplasia, pure hereditary; Congenital hypoplastic anemia. Identifiers: Orphanet 124, MedGen C1260899, MeSH D029503, MONDO:0015253, HP:0004810.
Diamond-Blackfan anemia 7 (DBA7). Also called: RPL11-Related Diamond-Blackfan Anemia. Identifiers: Orphanet 124, MedGen C2675512, MONDO:0012938, OMIM 612562.

Allele frequency attached by ClinVar (database versions not stated): TOPMed below 0.00001; ExAC 0.00001; gnomAD 0.00001; gnomAD exomes 0.00001.

Submissions (2):

Fulgent Genetics
Classification: Uncertain significance for Diamond-Blackfan anemia 7. Last evaluated: 2024-05-05. Review status: criteria provided, single submitter. Criteria: ACMG Guidelines, 2015. Collection method: clinical testing. Allele origin: germline.

Labcorp Genetics (formerly Invitae), Labcorp
Classification: Uncertain significance for Diamond-Blackfan anemia. Last evaluated: 2022-07-19. Review status: criteria provided, single submitter. Criteria: Invitae Variant Classification Sherloc (09022015). Collection method: clinical testing. Allele origin: germline.
Comment: In summary, the available evidence is currently insufficient to determine the role of this variant in disease. Therefore, it has been classified as a Variant of Uncertain Significance. Algorithms developed to predict the effect of missense changes on protein structure and function (SIFT, PolyPhen-2, Align-GVGD) all suggest that this variant is likely to be tolerated. ClinVar contains an entry for this variant (Variation ID: 579074). This variant has not been reported in the literature in individuals affected with RPL11-related conditions. This variant is present in population databases (rs768850297, gnomAD 0.003%). This sequence change replaces alanine, which is neutral and non-polar, with valine, which is neutral and non-polar, at codon 2 of the RPL11 protein (p.Ala2Val).

NM_000975.5(RPL11):c.5C>T (p.Ala2Val)

Genes: RPL11 (ribosomal protein L11; plus strand), LOC129929673 (ATAC-STARR-seq lymphoblastoid active region 374; plus strand). Cytogenetic location: 1p36.11.
Variant type: single nucleotide variant.
Coding change: c.5C>T on transcript NM_000975.5 (MANE Select); coding-DNA position 5, C replaced by T.
Protein change: p.Ala2Val; replaces alanine 2 with valine.
Molecular consequence: missense variant.
Genome position (GRCh38, 1-based): chr1:23,691,828, C>T. VCF-style: chr1-23691828-C-T. GRCh37 (hg19) VCF-style: chr1-24018318-C-T.
Other names: c.5C>T, p.Ala2Val (NM_001199802.1, LRG_1140t1); short protein forms A2V.
Identifiers: ClinVar variation 579074 (VCV000579074.10), dbSNP rs768850297, ClinGen allele CA684110.